The following is an entry in ClinVar:

NM_001330260.2(SCN8A):c.928+5G>A

Gene: SCN8A (sodium voltage-gated channel alpha subunit 8; plus strand). Cytogenetic location: 12q13.13.
Variant type: single nucleotide variant.
Coding change: c.928+5G>A on transcript NM_001330260.2 (MANE Select); 5 bases into the intron after coding-DNA position 928, G replaced by A.
Molecular consequence: intron variant.
Genome position (GRCh38, 1-based): chr12:51,699,796, G>A. VCF-style: chr12-51699796-G-A. GRCh37 (hg19) VCF-style: chr12-52093580-G-A.
Other names: c.928+5G>A (NM_014191.4, NM_001177984.3, NM_001369788.1).
Identifiers: ClinVar variation 1217398 (VCV001217398.3), dbSNP rs2138736067, ClinGen allele CA2499221738.

ClinVar aggregate classification (germline): Uncertain significance (1 of 4 stars; one submission).

Submission:

GeneDx
Classification: Uncertain significance. Last evaluated: 2019-07-15. Review status: criteria provided, single submitter. Criteria: GeneDx Variant Classification Process June 2021. Collection method: clinical testing. Allele origin: germline. Affected: yes.
Comment: Not observed in large population cohorts (Lek et al., 2016); Canonical splice site variant predicted to result in an in-frame deletion of exon(s) 7; Has not been previously published as pathogenic or benign to our knowledge